The following is an entry in ClinVar:

ClinVar aggregate classification (germline): Likely benign. Review status: criteria provided, multiple submitters, no conflicts (2 of 4 stars). 2 submissions from 2 submitters: Likely benign (2). Last evaluated 2026-04-02.

Conditions:
Marfan syndrome (MFS). Also called: MARFAN SYNDROME, TYPE I; Marfan syndrome type 1; Marfan's syndrome; Marfan syndrome, classic; FBN1-Related Marfan Syndrome. Identifiers: Orphanet 284963, Orphanet 558, MedGen C0024796, MONDO:0007947, OMIM 154700.

Submissions (2):

Women's Health and Genetics/Laboratory Corporation of America, LabCorp
Classification: Likely benign. Last evaluated: 2026-04-02. Review status: criteria provided, single submitter. Criteria: LabCorp Variant Classification Summary - May 2015. Collection method: clinical testing. Allele origin: germline.

All of Us Research Program, National Institutes of Health
Classification: Likely benign for Marfan syndrome. Last evaluated: 2023-04-03. Review status: criteria provided, single submitter. Criteria: ACMG Guidelines, 2015. Collection method: clinical testing. Allele origin: germline. Inheritance: Autosomal dominant inheritance. Observed: 1 variant allele, 1 heterozygote.
Comment: This study involves interpretation of variants in research participants for the purpose of population health screening. Participant phenotype was not available at the time of variant classification. Additional details can be found in publication PMID: 35346344, PMCID: PMC8962531

NM_000138.5(FBN1):c.5502C>T (p.Asp1834=)

Gene: FBN1 (fibrillin 1; minus strand). Cytogenetic location: 15q21.1.
Variant type: single nucleotide variant.
Coding change: c.5502C>T on transcript NM_000138.5 (MANE Select); coding-DNA position 5502, C replaced by T.
Protein change: p.Asp1834=; no amino-acid change (aspartic acid 1834 retained).
Molecular consequence: synonymous variant.
Genome position (GRCh38, 1-based): chr15:48,452,605, G>A on the plus strand (C>T on the coding strand, the complement: FBN1 is on the minus strand). VCF-style: chr15-48452605-G-A. GRCh37 (hg19) VCF-style: chr15-48744802-G-A.
Other names: c.5502C>T, p.Asp1834= (NM_001406716.1).
Identifiers: ClinVar variation 3070217 (VCV003070217.2), dbSNP rs1566900494, ClinGen allele CA490023721.